The following is an entry in ClinVar:

NM_000260.4(MYO7A):c.2468G>A (p.Arg823His)

Gene: MYO7A (myosin VIIA; plus strand). Cytogenetic location: 11q13.5.
Variant type: single nucleotide variant.
Coding change: c.2468G>A on transcript NM_000260.4 (MANE Select); coding-DNA position 2468, G replaced by A.
Protein change: p.Arg823His; replaces arginine 823 with histidine.
Molecular consequence: missense variant.
Genome position (GRCh38, 1-based): chr11:77,179,835, G>A. VCF-style: chr11-77179835-G-A. GRCh37 (hg19) VCF-style: chr11-76890881-G-A.
Other names: c.2468G>A, p.Arg823His (NM_001127180.2); c.2435G>A, p.Arg812His (NM_001369365.1); c.2468G>A (NM_000260.3); short protein forms R812H, R823H.
Identifiers: ClinVar variation 991226 (VCV000991226.9), dbSNP rs533027065, ClinGen allele CA6197849.
Genomic context (GRCh38, chr11:77,179,835, plus strand): 5'-CCCGGAAGCTGCACCAGCAGTACCGCCTGGCCCGCCAGCGCATCATCCAGTTCCAGGCCC[G>A]CTGCCGCGCCTATCTGGTGCGCAAGGCCTTCCGCCACCGCCTCTGGGCTGTGCTCACCGT-3'
Protein context (NP_000251.3, residues 813-833): ARQRIIQFQA[Arg823His]CRAYLVRKAF

ClinVar aggregate classification (germline): Conflicting classifications of pathogenicity. Review status: criteria provided, conflicting classifications (1 of 4 stars). 6 submissions from 6 submitters: Uncertain significance (4); Likely benign (1). 1 of the submissions does not count toward it. Last evaluated 2026-09-16.

Conditions:
MYO7A-related disorder. Also called: MYO7A-related disorders.
Usher syndrome type 1 (USH1). Also called: RETINITIS PIGMENTOSA AND CONGENITAL DEAFNESS. Identifiers: Orphanet 231169, Orphanet 886, MedGen C1568247, MONDO:0010168, OMIM 276900.
Usher syndrome type 1B (USH1B). Also called: Usher syndrome type IB. Identifiers: MedGen C1848638, MONDO:0700087.

Allele frequency attached by ClinVar (database versions not stated): TOPMed 0.00003; ExAC 0.00015; 1000 Genomes Project 30x 0.00016; 1000 Genomes Project 0.00020.
gnomAD v4.1: 45 of 1,543,552 alleles (0.0029%); highest among the groups gnomAD compares: East Asian, 0.037%; no homozygotes.

Submissions (6):

PreventionGenetics, part of Exact Sciences
Classification: Uncertain significance for MYO7A-related condition. Last evaluated: 2026-09-16. Review status: criteria provided, single submitter. Criteria: ACMG Guidelines, 2015. Collection method: clinical testing. Allele origin: germline.
Comment: The MYO7A c.2468G>A variant is predicted to result in the amino acid substitution p.Arg823His. To our knowledge, this variant has not been reported in the literature. This variant is reported in 0.041% of alleles in individuals of East Asian descent in gnomAD. At this time, the clinical significance of this variant is uncertain due to the absence of conclusive functional and genetic evidence.

Myriad Genetics, Inc.
Classification: Uncertain significance for Usher syndrome type 1. Last evaluated: 2026-03-31. Review status: criteria provided, single submitter. Criteria: Myriad Autosomal Dominant, Autosomal Recessive and X-Linked Classification Criteria (2023). Collection method: clinical testing. Allele origin: unknown.
Comment: NM_000260.3(MYO7A):c.2468G>A(R823H) is a missense variant classified as a variant of uncertain significance in the context of MYO7A-related disorders. R823H has not been observed in cases with relevant disease. Relevant functional assessments of this variant are not available in the literature. R823H has been observed in referenced population frequency databases. In summary, there is insufficient evidence to classify NM_000260.3(MYO7A):c.2468G>A(R823H) as pathogenic or benign. Please note: this variant was assessed in the context of healthy population screening.

Labcorp Genetics (formerly Invitae), Labcorp
Classification: Likely benign. Last evaluated: 2024-06-21. Review status: criteria provided, single submitter. Criteria: Invitae Variant Classification Sherloc (09022015). Collection method: clinical testing. Allele origin: germline.

GeneDx
Classification: Uncertain significance. Last evaluated: 2023-12-08. Review status: criteria provided, single submitter. Criteria: GeneDx Variant Classification Process June 2021. Collection method: clinical testing. Allele origin: germline. Affected: yes.
Comment: In silico analysis supports that this missense variant does not alter protein structure/function; Has not been previously published as pathogenic or benign to our knowledge

Blueprint Genetics
Classification: Uncertain significance. Last evaluated: 2021-09-29. Review status: criteria provided, single submitter. Criteria: ACMG Guidelines, 2015. Collection method: clinical testing. Allele origin: germline.

Natera, Inc.
Classification: Uncertain significance for Usher syndrome type 1B. Last evaluated: 2020-04-16. Review status: no assertion criteria provided. Collection method: clinical testing. Allele origin: germline. Not counted in ClinVar's aggregate classification.